The following is an entry in ClinVar:

NM_001482.3(GATM):c.*595C>A

Gene: GATM (glycine amidinotransferase; minus strand). Cytogenetic location: 15q21.1.
Variant type: single nucleotide variant.
Coding change: c.*595C>A on transcript NM_001482.3 (MANE Select); 595 bases downstream of the stop codon, C replaced by A.
Molecular consequence: 3 prime UTR variant.
Genome position (GRCh38, 1-based): chr15:45,361,514, G>T on the plus strand (C>A on the coding strand, the complement: GATM is on the minus strand). VCF-style: chr15-45361514-G-T. GRCh37 (hg19) VCF-style: chr15-45653712-G-T.
Other names: c.*595C>A (NM_001321015.2).
Identifiers: ClinVar variation 316207 (VCV000316207.5), dbSNP rs75565512, ClinGen allele CA10646090.
Genomic context (GRCh38, chr15:45,361,514, plus strand): 5'-GCATATATCACAATGTTGAGATGAGAATATTAAAAACATTCATGGAAAATTCACTTTGAT[G>T]TTTTGCATAGTCTAGGTTATTTTTTAAAAAACAAAAAATTAAAAATTACCCAAATTCCTT-3'

ClinVar aggregate classification (germline): Benign (1 of 4 stars; one submission).

Conditions:
Arginine:glycine amidinotransferase deficiency (CCDS3). Also called: Creatine deficiency syndrome due to AGAT deficiency; GATM deficiency; Cerebral creatine deficiency syndrome 3; L-Arginine:Glycine Amidinotransferase (AGAT) Deficiency; AGAT deficiency; L-Arginine:Glycine Amidinotransferase Deficiency. Identifiers: Orphanet 35704, MedGen C2675179, MONDO:0012996, OMIM 612718.

Allele frequency attached by ClinVar (database versions not stated): gnomAD exomes 0.00397; TOPMed 0.02187; 1000 Genomes Project 0.02236; 1000 Genomes Project 30x 0.02358.
gnomAD v4.1: 2,939 of 155,120 alleles (1.9%); highest among the groups gnomAD compares: African/African-American, 6.8%; 109 homozygotes.

Submission:

Illumina Laboratory Services, Illumina
Classification: Benign for Arginine:glycine amidinotransferase deficiency. Last evaluated: 2018-01-13. Review status: criteria provided, single submitter. Criteria: ICSL Variant Classification Criteria 13 December 2019. Collection method: clinical testing. Allele origin: germline.
Comment: This variant was observed in the ICSL laboratory as part of a predisposition screen in an ostensibly healthy population. It had not been previously curated by ICSL or reported in the Human Gene Mutation Database (HGMD: prior to June 1st, 2018), and was therefore a candidate for classification through an automated scoring system. Utilizing variant allele frequency, disease prevalence and penetrance estimates, and inheritance mode, an automated score was calculated to assess if this variant is too frequent to cause the disease. Based on the score and internal cut-off values, a variant classified as benign is not then subjected to further curation. The score for this variant resulted in a classification of benign for this disease.